The following is an entry in ClinVar:

NM_033026.6(PCLO):c.14191T>A (p.Phe4731Ile)

Gene: PCLO (piccolo presynaptic cytomatrix protein; minus strand). Cytogenetic location: 7q21.11.
Variant type: single nucleotide variant.
Coding change: c.14191T>A on transcript NM_033026.6 (MANE Select); coding-DNA position 14191, T replaced by A.
Protein change: p.Phe4731Ile; replaces phenylalanine 4731 with isoleucine.
Molecular consequence: missense variant.
Genome position (GRCh38, 1-based): chr7:82,838,249, A>T on the plus strand (T>A on the coding strand, the complement: PCLO is on the minus strand). VCF-style: chr7-82838249-A-T. GRCh37 (hg19) VCF-style: chr7-82467565-A-T.
Other names: c.14191T>A, p.Phe4731Ile (NM_014510.3); c.14191T>A (NM_033026.5); short protein forms F4731I.
Identifiers: ClinVar variation 1461204 (VCV001461204.8), dbSNP rs372381496, ClinGen allele CA4318907.

ClinVar aggregate classification (germline): Uncertain significance. Review status: criteria provided, multiple submitters, no conflicts (2 of 4 stars). 2 submissions from 2 submitters: Uncertain significance (2). Last evaluated 2024-10-24.

Conditions:
Inborn genetic diseases. Identifiers: MedGen C0950123, MeSH D030342.

Allele frequency attached by ClinVar (database versions not stated): ESP Exome Variant Server 0.00008.
gnomAD v4.1: 27 of 1,599,902 alleles (0.0017%); highest among the groups gnomAD compares: African/African-American, 0.036%; no homozygotes.

Submissions (2):

Labcorp Genetics (formerly Invitae), Labcorp
Classification: Uncertain significance. Last evaluated: 2024-10-24. Review status: criteria provided, single submitter. Criteria: Invitae Variant Classification Sherloc (09022015). Collection method: clinical testing. Allele origin: germline.
Comment: This sequence change replaces phenylalanine, which is neutral and non-polar, with isoleucine, which is neutral and non-polar, at codon 4731 of the PCLO protein (p.Phe4731Ile). This variant is present in population databases (rs372381496, gnomAD 0.04%). This variant has not been reported in the literature in individuals affected with PCLO-related conditions. ClinVar contains an entry for this variant (Variation ID: 1461204). Experimental studies and prediction algorithms are not available or were not evaluated, and the functional significance of this variant is currently unknown. In summary, the available evidence is currently insufficient to determine the role of this variant in disease. Therefore, it has been classified as a Variant of Uncertain Significance.

Ambry Genetics
Classification: Uncertain significance for Inborn genetic diseases. Last evaluated: 2024-03-29. Review status: criteria provided, single submitter. Criteria: Ambry Variant Classification Scheme 2023. Collection method: clinical testing. Allele origin: germline.